The following is an entry in ClinVar:

NM_178857.6(RP1L1):c.1860C>G (p.Asp620Glu)

Gene: RP1L1 (RP1 like 1). Cytogenetic location: 8p23.1.
Variant type: single nucleotide variant.
Coding change: c.1860C>G on transcript NM_178857.6 (MANE Select); coding-DNA position 1860, C replaced by G.
Protein change: p.Asp620Glu; replaces aspartic acid 620 with glutamic acid.
Molecular consequence: missense variant.
Genome position (GRCh38, 1-based): chr8:10,612,238, G>C on the plus strand (C>G on the coding strand, the complement: RP1L1 is on the minus strand). VCF-style: chr8-10612238-G-C. GRCh37 (hg19) VCF-style: chr8-10469748-G-C.
Other names: short protein forms D620E.
Identifiers: ClinVar variation 4156248 (VCV004156248.2).

ClinVar aggregate classification (germline): Uncertain significance. Review status: criteria provided, multiple submitters, no conflicts (2 of 4 stars). 2 submissions from 2 submitters: Uncertain significance (2). Last evaluated 2025-08-25.

Conditions:
RP1L1-related disorder. Also called: RP1L1-related condition.
Inborn genetic diseases. Identifiers: MedGen C0950123, MeSH D030342.

gnomAD v4.1: 13 of 1,613,098 alleles (0.00081%); highest among the groups gnomAD compares: African/African-American, 0.017%; no homozygotes.

Submissions (2):

Ambry Genetics
Classification: Uncertain significance for Inborn genetic diseases. Last evaluated: 2025-08-25. Review status: criteria provided, single submitter. Criteria: Ambry Variant Classification Scheme 2023. Collection method: clinical testing. Allele origin: germline.

PreventionGenetics, part of Exact Sciences
Classification: Uncertain significance for RP1L1-related condition. Last evaluated: 2025-07-28. Review status: criteria provided, single submitter. Criteria: ACMG Guidelines, 2015. Collection method: clinical testing. Allele origin: germline.
Comment: The RP1L1 c.1860C>G variant is predicted to result in the amino acid substitution p.Asp620Glu. To our knowledge, this variant has not been reported in the literature. This variant is reported in 0.029% of alleles in individuals of African descent in gnomAD. At this time, the clinical significance of this variant is uncertain due to the absence of conclusive functional and genetic evidence.